The following is an entry in ClinVar:

NM_032229.3(SLITRK6):c.801C>T (p.Cys267=)

Gene: SLITRK6 (SLIT and NTRK like family member 6; minus strand). Cytogenetic location: 13q31.1.
Variant type: single nucleotide variant.
Coding change: c.801C>T on transcript NM_032229.3 (MANE Select); coding-DNA position 801, C replaced by T.
Protein change: p.Cys267=; no amino-acid change (cysteine 267 retained).
Molecular consequence: synonymous variant.
Genome position (GRCh38, 1-based): chr13:85,795,708, G>A on the plus strand (C>T on the coding strand, the complement: SLITRK6 is on the minus strand). VCF-style: chr13-85795708-G-A. GRCh37 (hg19) VCF-style: chr13-86369843-G-A.
Identifiers: ClinVar variation 740859 (VCV000740859.5), dbSNP rs376883677, ClinGen allele CA7015227.

ClinVar aggregate classification (germline): Likely benign. Review status: criteria provided, multiple submitters, no conflicts (2 of 4 stars). 2 submissions from 2 submitters: Likely benign (2). Last evaluated 2026-03-31.

Conditions:
SLITRK6-related disorder. Also called: SLITRK6-related condition.

Allele frequency attached by ClinVar (database versions not stated): ExAC 0.00001; gnomAD exomes 0.00001 and 0.00006; TOPMed 0.00004; gnomAD 0.00005 and 0.00006; ESP Exome Variant Server 0.00008.

Submissions (2):

PreventionGenetics, part of Exact Sciences
Classification: Likely benign for SLITRK6-related condition. Last evaluated: 2026-03-31. Review status: criteria provided, single submitter. Criteria: ACMG Guidelines, 2015. Collection method: clinical testing. Allele origin: germline.
Comment: This variant is classified as likely benign based on ACMG/AMP sequence variant interpretation guidelines (Richards et al. 2015 PMID: 25741868, with internal and published modifications).

Labcorp Genetics (formerly Invitae), Labcorp
Classification: Likely benign. Last evaluated: 2025-08-25. Review status: criteria provided, single submitter. Criteria: Invitae Variant Classification Sherloc (09022015). Collection method: clinical testing. Allele origin: germline.